The following is an entry in ClinVar:

NM_002578.5(PAK3):c.1455T>C (p.Pro485=)

Gene: PAK3 (p21 (RAC1) activated kinase 3; plus strand). Cytogenetic location: Xq23.
Variant type: single nucleotide variant.
Coding change: c.1455T>C on transcript NM_002578.5 (MANE Select); coding-DNA position 1455, T replaced by C.
Protein change: p.Pro485=; no amino-acid change (proline 485 retained).
Molecular consequence: synonymous variant. On other transcripts: non-coding transcript variant (2).
Genome position (GRCh38, 1-based): chrX:111,216,468, T>C. VCF-style: chrX-111216468-T-C. GRCh37 (hg19) VCF-style: chrX-110459696-T-C.
Other names: c.1455T>C, p.Pro485= (NM_001128166.3, NM_001128167.3, NM_001324325.2 and 5 more transcripts); c.1563T>C, p.Pro521= (NM_001128168.3); c.1518T>C, p.Pro506= (NM_001128172.2); c.1500T>C, p.Pro500= (NM_001128173.3, NM_001324327.2, NM_001324328.2 and 2 more transcripts).
Identifiers: ClinVar variation 2661202 (VCV002661202.24), dbSNP rs2094880678, ClinGen allele CA518031994.

ClinVar aggregate classification (germline): Likely benign (1 of 4 stars; one submission).

Allele frequency attached by ClinVar (database versions not stated): gnomAD exomes below 0.00001; TOPMed 0.00002.
gnomAD v4.1: 4 of 1,181,080 alleles (0.00034%); highest among the groups gnomAD compares: Non-Finnish European, 0.00035%; no homozygotes.

Submission:

CeGaT Center for Human Genetics Tuebingen
Classification: Likely benign. Last evaluated: 2022-03-01. Review status: criteria provided, single submitter. Criteria: CeGaT Center For Human Genetics Tuebingen Variant Classification Criteria Version 2. Collection method: clinical testing. Allele origin: germline. Affected: yes. Observed: 1 variant allele.
Comment: PAK3: PM2:Supporting, BP4, BP7